The following is an entry in ClinVar:

NM_001002294.3(FMO3):c.913G>T (p.Glu305Ter)

Gene: FMO3 (flavin containing dimethylaniline monoxygenase 3; plus strand). Cytogenetic location: 1q24.3.
Variant type: single nucleotide variant.
Coding change: c.913G>T on transcript NM_001002294.3 (MANE Select); coding-DNA position 913, G replaced by T.
Protein change: p.Glu305Ter; replaces glutamic acid 305 with a stop codon.
Molecular consequence: nonsense.
Genome position (GRCh38, 1-based): chr1:171,114,092, G>T. VCF-style: chr1-171114092-G-T. GRCh37 (hg19) VCF-style: chr1-171083232-G-T.
Other names: c.853G>T, p.Glu285Ter (NM_001319173.2); c.724G>T, p.Glu242Ter (NM_001319174.2); c.913G>T, p.Glu305Ter (NM_006894.6); short protein forms E305*, E242*, E285*.
Identifiers: ClinVar variation 16304 (VCV000016304.37), dbSNP rs61753344, ClinGen allele CA341392.

ClinVar aggregate classification (germline): Pathogenic. Review status: criteria provided, multiple submitters, no conflicts (2 of 4 stars). 13 submissions from 13 submitters: Pathogenic (11). 2 of the submissions do not count toward it. Last evaluated 2026-08-17.

Conditions:
FMO3-related disorders.
FMO3-related disorder. Also called: FMO3-related condition.
Trimethylaminuria (TMAU). Also called: Fish malodor syndrome; Stale fish syndrome; TMAuria; FISH-ODOR SYNDROME; Primary Trimethylaminuria. Identifiers: MedGen C0342739, MONDO:0011182, OMIM 602079, HP:0003614. Disease mechanism: loss of function.

Allele frequency attached by ClinVar (database versions not stated): gnomAD 0.00036 and 0.00035; TOPMed 0.00039; gnomAD exomes 0.00075 and 0.00029; 1000 Genomes Project 30x 0.00016; 1000 Genomes Project 0.00020; ExAC 0.00031.
gnomAD v4.1: 1,172 of 1,613,774 alleles (0.073%); highest among the groups gnomAD compares: Non-Finnish European, 0.09%; no homozygotes.

Submissions (13):

PreventionGenetics, part of Exact Sciences
Classification: Pathogenic for FMO3-related condition. Last evaluated: 2026-08-17. Review status: criteria provided, single submitter. Criteria: ACMG Guidelines, 2015. Collection method: clinical testing. Allele origin: germline.
Comment: The FMO3 c.913G>T variant is predicted to result in premature protein termination (p.Glu305*). This variant has been reported to be causative for trimethylaminuria (see for example Treacy et al. 1998. PubMed ID: 9536088). This variant is reported in 0.050% of alleles in individuals of European (non-Finnish) descent in gnomAD. Nonsense variants in FMO3 are expected to be pathogenic. This variant is interpreted as pathogenic.

Labcorp Genetics (formerly Invitae), Labcorp
Classification: Pathogenic. Last evaluated: 2026-01-28. Review status: criteria provided, single submitter. Criteria: Invitae Variant Classification Sherloc (09022015). Collection method: clinical testing. Allele origin: germline.
Comment: This sequence change creates a premature translational stop signal (p.Glu305*) in the FMO3 gene. It is expected to result in an absent or disrupted protein product. Loss-of-function variants in FMO3 are known to be pathogenic (PMID: 20301282). This variant is present in population databases (rs61753344, gnomAD 0.05%). This premature translational stop signal has been observed in individuals with trimethylaminuria (PMID: 9536088, 19321370). ClinVar contains an entry for this variant (Variation ID: 16304). Algorithms developed to predict the effect of variants on gene product structure and function are not available or were not evaluated for this variant. Experimental studies have shown that this premature translational stop signal affects FMO3 function (PMID: 9536088). For these reasons, this variant has been classified as Pathogenic.

Variantyx, Inc.
Classification: Pathogenic for Trimethylaminuria. Last evaluated: 2025-07-07. Review status: criteria provided, single submitter. Criteria: Variantyx Assertion Criteria 2022. Collection method: clinical testing. Allele origin: germline. Inheritance: Autosomal recessive inheritance. Affected: no.
Comment: This is a nonsense variant in the FMO3 gene (OMIM: 136132). Pathogenic variants in this gene have been associated with autosomal recessive trimethylaminuria. This variant introduces a premature termination codon in exon 7 out of 9 and is expected to result in loss of function, which is a known disease mechanism for FMO3 in this disorder (PMID: 25525159) (PVS1). This variant has been reported in the homozygous or compound heterozygous state in at least 7 unrelated affected individuals (PMID: 9536088, 19321370, 31240165) (PM3), and it has a 0.0904% maximum allele frequency in non-founder control populations (PM2_Supporting). Based on the current evidence, this variant is classified as pathogenic for autosomal recessive trimethylaminuria.

CeGaT Center for Human Genetics Tuebingen
Classification: Pathogenic. Last evaluated: 2024-09-01. Review status: criteria provided, single submitter. Criteria: CeGaT Center For Human Genetics Tuebingen Variant Classification Criteria Version 2. Collection method: clinical testing. Allele origin: germline. Affected: yes. Observed: 1 variant allele.
Comment: FMO3: PM3:Very Strong, PVS1, PM2

GeneDx
Classification: Pathogenic. Last evaluated: 2024-08-21. Review status: criteria provided, single submitter. Criteria: GeneDx Variant Classification Process June 2021. Collection method: clinical testing. Allele origin: germline. Affected: yes.
Comment: Published functional studies demonstrate a lack of any enzyme activity (PMID: 9536088); Nonsense variant predicted to result in protein truncation or nonsense mediated decay in a gene for which loss-of-function is a known mechanism of disease; This variant is associated with the following publications: (PMID: 12938085, 19321370, 25525159, 31240165, 31980526, 31589614, 34493867, 34634752, 9536088)

Blueprint Genetics
Classification: Pathogenic for FMO3-related disorders. Last evaluated: 2024-08-16. Review status: criteria provided, single submitter. Criteria: ACMG Guidelines, 2015. Collection method: clinical testing. Allele origin: germline. Affected: yes. Observed: 5 variant alleles.

Fulgent Genetics
Classification: Pathogenic for Trimethylaminuria. Last evaluated: 2024-04-18. Review status: criteria provided, single submitter. Criteria: ACMG Guidelines, 2015. Collection method: clinical testing. Allele origin: germline.

Myriad Genetics, Inc.
Classification: Pathogenic for Trimethylaminuria. Last evaluated: 2024-02-03. Review status: criteria provided, single submitter. Criteria: Myriad Autosomal Dominant, Autosomal Recessive and X-Linked Classification Criteria (2023). Collection method: clinical testing. Allele origin: unknown.
Comment: NM_001002294.2(FMO3):c.913G>T(E305*) is expected to be pathogenic in the context of primary trimethylaminuria. This variant is predicted to lead to an abnormal or absent protein product due to the creation of a premature termination codon in FMO3, a gene where loss-of-function variants are known to be pathogenic. Please note: this variant was assessed in the context of healthy population screening.

Women's Health and Genetics/Laboratory Corporation of America, LabCorp
Classification: Pathogenic for Trimethylaminuria. Last evaluated: 2024-01-12. Review status: criteria provided, single submitter. Criteria: LabCorp Variant Classification Summary - May 2015. Collection method: clinical testing. Allele origin: germline.
Comment: Variant summary: FMO3 c.913G>T (p.Glu305X) results in a premature termination codon, predicted to cause a truncation of the encoded protein or absence of the protein due to nonsense mediated decay, which are commonly known mechanisms for disease. The variant allele was found at a frequency of 0.00029 in 250992 control chromosomes. This frequency is not significantly higher than estimated for a pathogenic variant in FMO3 causing Trimethylaminuria (0.00029 vs 0.0056), allowing no conclusion about variant significance. c.913G>T has been reported in the literature in individuals affected with Trimethylaminuria (e.g. Motika_2009). To our knowledge, no experimental evidence demonstrating an impact on protein function has been reported. The following publication have been ascertained in the context of this evaluation (PMID: 19321370).ClinVar contains an entry for this variant (Variation ID: 16304). Based on the evidence outlined above, the variant was classified as pathogenic.

Revvity Omics, Revvity
Classification: Pathogenic for Trimethylaminuria. Last evaluated: 2023-02-10. Review status: criteria provided, single submitter. Criteria: ACMG Guidelines, 2015. Collection method: clinical testing. Allele origin: germline.

Illumina Laboratory Services, Illumina
Classification: Pathogenic for Trimethylaminuria. Last evaluated: 2017-04-27. Review status: criteria provided, single submitter. Criteria: ICSL Variant Classification Criteria 09 May 2019. Collection method: clinical testing. Allele origin: germline.
Comment: The FMO3 c.913G>T (p.Glu305Ter) variant is a stop-gained variant that is predicted to result in premature termination of the protein, and is one of the two most common variants associated with trimethylaminuria (Mackay et al. 2011). Across a selection of the literature, the p.Glu305Ter variant has been reported in six individuals with trimethylaminuria including in five in a compound heterozygous state with a second missense variant and in one in a homozygous state (Treacy et al. 1998; Motika et al. 2009). The p.Glu305Ter variant was absent from 40 control chromosomes and is reported at a frequency of 0.00128 in the European American population of the Exome Sequencing Project. Functional studies in E.coli showed undetectable N-oxygenated product generated by the p.Glu305Ter variant (Treacy et al. 1998). Based on the collective evidence and the potential impact of stop-gained variants, the p.Glu305Ter variant is classified as pathogenic for trimethylaminuria. This variant was observed by ICSL as part of a predisposition screen in an ostensibly healthy population.

OMIM
Classification: Pathogenic for TRIMETHYLAMINURIA. Last evaluated: 1976-10-21. Review status: no assertion criteria provided. Collection method: literature only. Allele origin: germline. Not counted in ClinVar's aggregate classification.

GeneReviews
No classification provided. Condition: Trimethylaminuria. Review status: no classification provided. Collection method: literature only. Allele origin: unknown. Not counted in ClinVar's aggregate classification.

Literature cited by the submitters: PubMed 20301282 (cited by Labcorp Genetics (formerly Invitae), Labcorp and GeneReviews); PubMed 9536088 (cited by 4 submitters); PubMed 19321370 (cited by 4 submitters); PubMed 25525159 (cited by Variantyx, Inc.); PubMed 31240165 (cited by Variantyx, Inc.); PubMed 21451776 (cited by Illumina Laboratory Services, Illumina); Akerman, B. R., Chow, L., Forrest, S., Youil, R., Cashman, J., Treacy, E. P. Mutations in the flavin-containing monoxygenase (sic) form 3 (FMO3) gene cause trimethylaminuria, fish odour syndrome. (Abstract) Am. J. Hum. Genet. 61 (suppl.): A53-only, 1997. (cited by OMIM); PubMed 987532 (cited by OMIM); NCBI Bookshelf NBK1103 (cited by GeneReviews).